The following is an entry in ClinVar:

NM_000540.3(RYR1):c.10292C>A (p.Ala3431Glu)

Gene: RYR1 (ryanodine receptor 1; plus strand). Cytogenetic location: 19q13.2.
Variant type: single nucleotide variant.
Coding change: c.10292C>A on transcript NM_000540.3 (MANE Select); coding-DNA position 10292, C replaced by A.
Protein change: p.Ala3431Glu; replaces alanine 3431 with glutamic acid.
Molecular consequence: missense variant.
Genome position (GRCh38, 1-based): chr19:38,523,060, C>A. VCF-style: chr19-38523060-C-A. GRCh37 (hg19) VCF-style: chr19-39013700-C-A.
Other names: c.10292C>A, p.Ala3431Glu (NM_001042723.2); short protein forms A3431E.
Identifiers: ClinVar variation 3636242 (VCV003636242.3).

ClinVar aggregate classification (germline): Uncertain significance. Review status: criteria provided, multiple submitters, no conflicts (2 of 4 stars). 2 submissions from 2 submitters: Uncertain significance (2). Last evaluated 2026-05-08.

Conditions:
RYR1-related disorder. Also called: RYR1-related disorders; RYR1-related condition. Identifiers: MedGen CN239331.

Submissions (2):

GeneDx
Classification: Uncertain significance. Last evaluated: 2026-05-08. Review status: criteria provided, single submitter. Criteria: GeneDx Variant Classification Process June 2021. Collection method: clinical testing. Allele origin: germline.
Comment: Not observed at significant frequency in large population cohorts (gnomAD); In silico analysis supports that this missense variant has a deleterious effect on protein structure/function; Has not been previously published as pathogenic or benign to our knowledge

Labcorp Genetics (formerly Invitae), Labcorp
Classification: Uncertain significance for RYR1-related disorder. Last evaluated: 2024-08-07. Review status: criteria provided, single submitter. Criteria: Invitae Variant Classification Sherloc (09022015). Collection method: clinical testing. Allele origin: germline.
Comment: This sequence change replaces alanine, which is neutral and non-polar, with glutamic acid, which is acidic and polar, at codon 3431 of the RYR1 protein (p.Ala3431Glu). This variant is not present in population databases (gnomAD no frequency). This missense change has been observed in individual(s) with clinical features of RYR1-related conditions (Invitae). Advanced modeling of protein sequence and biophysical properties (such as structural, functional, and spatial information, amino acid conservation, physicochemical variation, residue mobility, and thermodynamic stability) performed at Invitae indicates that this missense variant is expected to disrupt RYR1 protein function with a positive predictive value of 80%. In summary, the available evidence is currently insufficient to determine the role of this variant in disease. Therefore, it has been classified as a Variant of Uncertain Significance.